The following is an entry in ClinVar:

ClinVar aggregate classification (germline): Uncertain significance (1 of 4 stars; one submission).

Conditions:
Hereditary nonpolyposis colorectal neoplasms. Identifiers: MedGen C0009405, MeSH D003123.

Submission:

Labcorp Genetics (formerly Invitae), Labcorp
Classification: Uncertain significance for Hereditary nonpolyposis colorectal neoplasms. Last evaluated: 2021-10-18. Review status: criteria provided, single submitter. Criteria: Invitae Variant Classification Sherloc (09022015). Collection method: clinical testing. Allele origin: germline.
Comment: In summary, the available evidence is currently insufficient to determine the role of this variant in disease. Therefore, it has been classified as a Variant of Uncertain Significance. Algorithms developed to predict the effect of missense changes on protein structure and function are either unavailable or do not agree on the potential impact of this missense change (SIFT: "Not Available"; PolyPhen-2: "Benign"; Align-GVGD: "Not Available"). ClinVar contains an entry for this variant (Variation ID: 963364). This variant has not been reported in the literature in individuals affected with MSH6-related conditions. Information on the frequency of this variant in the gnomAD database is not available, as this variant may be reported differently in the database. This sequence change replaces glutamic acid, a(n) acidic and polar amino acid, with arginine, a(n) basic and polar amino acid, at codon 1121 of the MSH6 protein (p.Glu1121Arg).

NM_000179.3(MSH6):c.3361_3362delinsAG (p.Glu1121Arg)

Gene: MSH6 (mutS homolog 6; plus strand). Cytogenetic location: 2p16.3.
Variant type: Indel.
Coding change: c.3361_3362delinsAG on transcript NM_000179.3 (MANE Select); coding-DNA positions 3361 to 3362, GA replaced by AG.
Protein change: p.Glu1121Arg; replaces glutamic acid 1121 with arginine.
Molecular consequence: missense variant.
Genome position (GRCh38, 1-based): chr2:47,803,608-47,803,609, GA replaced by AG. VCF-style: chr2-47803608-GA-AG. GRCh37 (hg19) VCF-style: chr2-48030747-GA-AG.
Other names: c.2971_2972delinsAG, p.Glu991Arg (NM_001281492.2); c.2455_2456delinsAG, p.Glu819Arg (NM_001281493.2, NM_001281494.2); short protein forms E819R, E1121R, E991R.
Identifiers: ClinVar variation 963364 (VCV000963364.8), dbSNP rs1669765454, ClinGen allele CA1139656964.